The following is an entry in ClinVar:

NM_000135.4(FANCA):c.1444C>G (p.Pro482Ala)

Gene: FANCA (FA complementation group A; minus strand). Cytogenetic location: 16q24.3.
Variant type: single nucleotide variant.
Coding change: c.1444C>G on transcript NM_000135.4 (MANE Select); coding-DNA position 1444, C replaced by G.
Protein change: p.Pro482Ala; replaces proline 482 with alanine.
Molecular consequence: missense variant.
Genome position (GRCh38, 1-based): chr16:89,784,880, G>C on the plus strand (C>G on the coding strand, the complement: FANCA is on the minus strand). VCF-style: chr16-89784880-G-C. GRCh37 (hg19) VCF-style: chr16-89851288-G-C.
Other names: c.1444C>G, p.Pro482Ala (NM_001286167.3); short protein forms P482A.
Identifiers: ClinVar variation 3572382 (VCV003572382.1).

ClinVar aggregate classification (germline): Uncertain significance (1 of 4 stars; one submission).

gnomAD v4.1: 2 of 1,614,052 alleles (0.00012%); highest among the groups gnomAD compares: South Asian, 0.0011%; no homozygotes.

Submission:

Quest Diagnostics Nichols Institute San Juan Capistrano
Classification: Uncertain significance. Last evaluated: 2024-10-25. Review status: criteria provided, single submitter. Criteria: Quest Diagnostics criteria. Collection method: clinical testing. Allele origin: unknown.
Comment: The FANCA c.1444C>G (p.Pro482Ala) variant has not been reported in individuals with FANCA-related conditions in the published literature. It also has not been reported in large, multi-ethnic general populations (Genome Aggregation Database). Analysis of this variant using bioinformatics tools for the prediction of the effect of amino acid changes on protein structure and function yielded predictions that this variant is damaging. Based on the available information, we are unable to determine the clinical significance of this variant.